The following is an entry in ClinVar:

ClinVar aggregate classification (germline): Uncertain significance (1 of 4 stars; one submission).

Conditions:
Muscular dystrophy-dystroglycanopathy (congenital with brain and eye anomalies), type a, 8 (MDDGA8). Also called: WALKER-WARBURG SYNDROME OR MUSCLE-EYE-BRAIN DISEASE, GTDC2-RELATED. Identifiers: Orphanet 899, MedGen C3553813, MONDO:0013904, OMIM 614830.

Allele frequency attached by ClinVar (database versions not stated): gnomAD exomes 0.00001; ExAC 0.00002.
gnomAD v4.1: 4 of 1,614,148 alleles (0.00025%); highest among the groups gnomAD compares: Non-Finnish European, 0.00025%; no homozygotes.

Submission:

Labcorp Genetics (formerly Invitae), Labcorp
Classification: Uncertain significance for Muscular dystrophy-dystroglycanopathy (congenital with brain and eye anomalies), type a, 8. Last evaluated: 2022-02-20. Review status: criteria provided, single submitter. Criteria: Invitae Variant Classification Sherloc (09022015). Collection method: clinical testing. Allele origin: germline.
Comment: Algorithms developed to predict the effect of missense changes on protein structure and function output the following: SIFT: "Tolerated"; PolyPhen-2: "Benign"; Align-GVGD: "Class C0". The arginine amino acid residue is found in multiple mammalian species, which suggests that this missense change does not adversely affect protein function. This variant has not been reported in the literature in individuals affected with POMGNT2-related conditions. This variant is present in population databases (rs772815657, gnomAD 0.004%). This sequence change replaces lysine, which is basic and polar, with arginine, which is basic and polar, at codon 566 of the POMGNT2 protein (p.Lys566Arg). In summary, the available evidence is currently insufficient to determine the role of this variant in disease. Therefore, it has been classified as a Variant of Uncertain Significance.

NM_032806.6(POMGNT2):c.1697A>G (p.Lys566Arg)

Gene: POMGNT2 (protein O-linked mannose N-acetylglucosaminyltransferase 2 (beta 1,4-); minus strand). Cytogenetic location: 3p22.1.
Variant type: single nucleotide variant.
Coding change: c.1697A>G on transcript NM_032806.6 (MANE Select); coding-DNA position 1697, A replaced by G.
Protein change: p.Lys566Arg; replaces lysine 566 with arginine.
Molecular consequence: missense variant.
Genome position (GRCh38, 1-based): chr3:43,079,735, T>C on the plus strand (A>G on the coding strand, the complement: POMGNT2 is on the minus strand). VCF-style: chr3-43079735-T-C. GRCh37 (hg19) VCF-style: chr3-43121227-T-C.
Other names: short protein forms K566R.
Identifiers: ClinVar variation 1986782 (VCV001986782.4), dbSNP rs772815657, ClinGen allele CA2339806.